The following is an entry in ClinVar:

NM_021930.6(RINT1):c.463A>C (p.Ile155Leu)

Gene: RINT1 (RAD50 interactor 1; plus strand). Cytogenetic location: 7q22.3.
Variant type: single nucleotide variant.
Coding change: c.463A>C on transcript NM_021930.6 (MANE Select); coding-DNA position 463, A replaced by C.
Protein change: p.Ile155Leu; replaces isoleucine 155 with leucine.
Molecular consequence: missense variant. On other transcripts: 5 prime UTR variant (3), non-coding transcript variant (1).
Genome position (GRCh38, 1-based): chr7:105,542,597, A>C. VCF-style: chr7-105542597-A-C. GRCh37 (hg19) VCF-style: chr7-105183044-A-C.
Other names: c.229A>C, p.Ile77Leu (NM_001346599.2); c.-557A>C (NM_001346600.2); c.-460A>C (NM_001346601.2); c.-80A>C (NM_001346603.2); short protein forms I155L, I77L.
Identifiers: ClinVar variation 656282 (VCV000656282.12), dbSNP rs1358398173, ClinGen allele CA368803808.

ClinVar aggregate classification (germline): Uncertain significance. Review status: criteria provided, multiple submitters, no conflicts (2 of 4 stars). 2 submissions from 2 submitters: Uncertain significance (2). Last evaluated 2025-08-12.

Allele frequency attached by ClinVar (database versions not stated): gnomAD exomes below 0.00001 and 0.00001.

Submissions (2):

Ambry Genetics
Classification: Uncertain significance. Last evaluated: 2025-08-12. Review status: criteria provided, single submitter. Criteria: Ambry Variant Classification Scheme 2023. Collection method: clinical testing. Allele origin: germline.
Comment: The p.I155L variant (also known as c.463A>C), located in coding exon 4 of the RINT1 gene, results from an A to C substitution at nucleotide position 463. The isoleucine at codon 155 is replaced by leucine, an amino acid with highly similar properties. This amino acid position is well conserved in available vertebrate species. In addition, this alteration is predicted to be tolerated by in silico analysis. The evidence for this gene-disease relationship is limited; therefore, the clinical significance of this alteration is unclear.

Labcorp Genetics (formerly Invitae), Labcorp
Classification: Uncertain significance. Last evaluated: 2018-11-07. Review status: criteria provided, single submitter. Criteria: Invitae Variant Classification Sherloc (09022015). Collection method: clinical testing. Allele origin: germline.
Comment: This sequence change replaces isoleucine with leucine at codon 155 of the RINT1 protein (p.Ile155Leu). The isoleucine residue is highly conserved and there is a small physicochemical difference between isoleucine and leucine. This variant is not present in population databases (ExAC no frequency). This variant has not been reported in the literature in individuals with RINT1-related disease. Algorithms developed to predict the effect of missense changes on protein structure and function (SIFT, PolyPhen-2, Align-GVGD) all suggest that this variant is likely to be tolerated, but these predictions have not been confirmed by published functional studies and their clinical significance is uncertain. In summary, the available evidence is currently insufficient to determine the role of this variant in disease. Therefore, it has been classified as a Variant of Uncertain Significance.